The following is an entry in ClinVar:

NM_000051.4(ATM):c.5220T>G (p.Ile1740Met)

Gene: ATM (ATM serine/threonine kinase; plus strand). Cytogenetic location: 11q22.3.
Variant type: single nucleotide variant.
Coding change: c.5220T>G on transcript NM_000051.4 (MANE Select); coding-DNA position 5220, T replaced by G.
Protein change: p.Ile1740Met; replaces isoleucine 1740 with methionine.
Molecular consequence: missense variant.
Genome position (GRCh38, 1-based): chr11:108,301,690, T>G. VCF-style: chr11-108301690-T-G. GRCh37 (hg19) VCF-style: chr11-108172417-T-G.
Other names: c.5220T>G, p.Ile1740Met (NM_001351834.2); short protein forms I1740M.
Identifiers: ClinVar variation 3966751 (VCV003966751.1).
Genomic context (GRCh38, chr11:108,301,690, plus strand): 5'-TTGAATTGTTTTTTTCAGTGTCAAAGTTCGATCAGCAGCTGTTACCTGTTTGAAAAACAT[T>G]TTAGCCACAAAGACTGGACATAGTTTCTGGGAGATTTATAAGATGACAACAGATCCAATG-3'
Protein context (NP_000042.3, residues 1730-1750): RSAAVTCLKN[Ile1740Met]LATKTGHSFW

ClinVar aggregate classification (germline): Uncertain significance (1 of 4 stars; one submission).

Conditions:
Hereditary cancer-predisposing syndrome. Also called: Tumor predisposition; Hereditary neoplastic syndrome; Hereditary Cancer Syndrome; Neoplastic Syndromes, Hereditary. Identifiers: Orphanet 140162, MedGen C0027672, MeSH D009386, MONDO:0015356.

Submission:

Ambry Genetics
Classification: Uncertain significance for Hereditary cancer-predisposing syndrome. Last evaluated: 2025-04-27. Review status: criteria provided, single submitter. Criteria: Ambry Variant Classification Scheme 2023. Collection method: clinical testing. Allele origin: germline.
Comment: The p.I1740M variant (also known as c.5220T>G), located in coding exon 34 of the ATM gene, results from a T to G substitution at nucleotide position 5220. The isoleucine at codon 1740 is replaced by methionine, an amino acid with highly similar properties. This amino acid position is conserved. In addition, the in silico prediction for this alteration is inconclusive. Based on the available evidence, the clinical significance of this variant remains unclear.